The following is an entry in ClinVar:

NM_004415.4(DSP):c.2877+79C>A

Gene: DSP (desmoplakin; plus strand). Cytogenetic location: 6p24.3.
Variant type: single nucleotide variant.
Coding change: c.2877+79C>A on transcript NM_004415.4 (MANE Select); 79 bases into the intron after coding-DNA position 2877, C replaced by A.
Molecular consequence: intron variant.
Genome position (GRCh38, 1-based): chr6:7,577,121, C>A. VCF-style: chr6-7577121-C-A. GRCh37 (hg19) VCF-style: chr6-7577354-C-A.
Other names: c.2877+79C>A (NM_001319034.2, NM_001008844.3).
Identifiers: ClinVar variation 672135 (VCV000672135.1), dbSNP rs2064218, ClinGen allele CA12287839.

ClinVar aggregate classification (germline): Benign (1 of 4 stars; one submission).

Allele frequency attached by ClinVar (database versions not stated): gnomAD 0.69030 and 0.69397; 1000 Genomes Project 0.69389; TOPMed 0.69686; 1000 Genomes Project 30x 0.70003.
gnomAD v4.1: 737,876 of 1,157,736 alleles (64%); highest among the groups gnomAD compares: African/African-American, 83%; 236,684 homozygotes.

Submission:

GeneDx
Classification: Benign. Last evaluated: 2018-06-13. Review status: criteria provided, single submitter. Criteria: GeneDx Variant Classification (06012015). Collection method: clinical testing. Allele origin: germline. Affected: yes.
Comment: This variant is considered likely benign or benign based on one or more of the following criteria: it is a conservative change, it occurs at a poorly conserved position in the protein, it is predicted to be benign by multiple in silico algorithms, and/or has population frequency not consistent with disease.